The following is an entry in ClinVar:

NM_031407.7(HUWE1):c.10426T>G (p.Ser3476Ala)

Gene: HUWE1 (HECT, UBA and WWE domain containing E3 ubiquitin protein ligase 1; minus strand). Cytogenetic location: Xp11.22.
Variant type: single nucleotide variant.
Coding change: c.10426T>G on transcript NM_031407.7 (MANE Select); coding-DNA position 10426, T replaced by G.
Protein change: p.Ser3476Ala; replaces serine 3476 with alanine.
Molecular consequence: missense variant.
Genome position (GRCh38, 1-based): chrX:53,547,883, A>C on the plus strand (T>G on the coding strand, the complement: HUWE1 is on the minus strand). VCF-style: chrX-53547883-A-C. GRCh37 (hg19) VCF-style: chrX-53574844-A-C.
Other names: c.10423T>G, p.Ser3475Ala (NM_001441048.1, NM_001441051.1, NM_001441053.1 and 2 more transcripts); c.10426T>G, p.Ser3476Ala (NM_001441049.1, NM_001441054.1, NM_001441057.1); c.10447T>G, p.Ser3483Ala (NM_001441050.1, NM_001441055.1); c.10024T>G, p.Ser3342Ala (NM_001441052.1); short protein forms S3342A, S3475A, S3476A, S3483A.
Identifiers: ClinVar variation 4686808 (VCV004686808.1).

ClinVar aggregate classification (germline): Uncertain significance (1 of 4 stars; one submission).

Submission:

GeneDx
Classification: Uncertain significance. Last evaluated: 2025-07-24. Review status: criteria provided, single submitter. Criteria: GeneDx Variant Classification Process June 2021. Collection method: clinical testing. Allele origin: germline. Affected: yes.
Comment: Not observed at significant frequency in large population cohorts (gnomAD); In silico analysis suggests that this missense variant does not alter protein structure/function; Has not been previously published as pathogenic or benign to our knowledge